The following is an entry in ClinVar:

NM_001267550.2(TTN):c.45855A>T (p.Arg15285Ser)

Gene: TTN (titin; minus strand). Cytogenetic location: 2q31.2.
Variant type: single nucleotide variant.
Coding change: c.45855A>T on transcript NM_001267550.2 (MANE Select); coding-DNA position 45855, A replaced by T.
Protein change: p.Arg15285Ser; replaces arginine 15285 with serine.
Molecular consequence: missense variant.
Genome position (GRCh38, 1-based): chr2:178,620,755, T>A on the plus strand (A>T on the coding strand, the complement: TTN is on the minus strand). VCF-style: chr2-178620755-T-A. GRCh37 (hg19) VCF-style: chr2-179485482-T-A.
Other names: p.R13644S:AGA>AGT; c.40932A>T, p.Arg13644Ser (NM_001256850.1); c.18660A>T, p.Arg6220Ser (NM_003319.4); c.38151A>T, p.Arg12717Ser (NM_133378.4); c.19035A>T, p.Arg6345Ser (NM_133432.3); c.19236A>T, p.Arg6412Ser (NM_133437.4); short protein forms R13644S, R15285S, R6220S, R6412S, R12717S, R6345S.
Identifiers: ClinVar variation 202647 (VCV000202647.2), dbSNP rs794729439, ClinGen allele CA309859.

ClinVar aggregate classification (germline): Uncertain significance (1 of 4 stars; one submission).

Allele frequency attached by ClinVar (database versions not stated): gnomAD exomes below 0.00001.
gnomAD v4.1: 3 of 1,612,802 alleles (0.00019%); highest among the groups gnomAD compares: South Asian, 0.0033%; no homozygotes.

Submission:

GeneDx
Classification: Uncertain significance. Last evaluated: 2014-02-06. Review status: criteria provided, single submitter. Criteria: GeneDx Variant Classification (06012015). Collection method: clinical testing. Allele origin: germline. Affected: yes.
Comment: Missense variants in the TTN gene are considered 'unclassified' if they are not previously reported in the literature and do not have >1% frequency in the population to be considered a polymorphism. Research indicates that truncating mutations in the TTN gene are expected to account for approximately 25% of familial and 18% of sporadic idiopathic DCM; however, truncating variants in the TTN gene have been reported in approximately 3% of reported control alleles. There has been little investigation into non-truncating variants. (Herman D et al. Truncations of titin causing dilated cardiomyopathy. N Eng J Med 366:619-628, 2012) The variant is found in CARDIOMYOPATHY panel(s).